The following is an entry in ClinVar:

ClinVar aggregate classification (germline): Benign. Review status: criteria provided, single submitter (1 of 4 stars). 2 submissions from 2 submitters: Benign (1). 1 of the submissions does not count toward it. Last evaluated 2017-10-17.

Conditions:
JMJD7-PLA2G4B-related disorder. Also called: JMJD7-PLA2G4B-related condition.

Allele frequency attached by ClinVar (database versions not stated): gnomAD 0.00002 and 0.00050; ESP Exome Variant Server 0.00008; TOPMed 0.00011; gnomAD exomes 0.00094 and 0.00202; ExAC 0.00242; 1000 Genomes Project 30x 0.00453; 1000 Genomes Project 0.00459.
gnomAD v4.1: 1,462 of 1,613,132 alleles (0.091%); highest among the groups gnomAD compares: South Asian, 1.5%; 22 homozygotes.

Submissions (2):

Labcorp Genetics (formerly Invitae), Labcorp
Classification: Benign. Last evaluated: 2017-10-17. Review status: criteria provided, single submitter. Criteria: Invitae Variant Classification Sherloc (09022015). Collection method: clinical testing. Allele origin: germline.

PreventionGenetics, part of Exact Sciences
Classification: Benign for JMJD7-PLA2G4B-related condition. Last evaluated: 2019-07-01. Review status: no assertion criteria provided. Collection method: clinical testing. Allele origin: germline. Not counted in ClinVar's aggregate classification.
Comment: This variant is classified as benign based on ACMG/AMP sequence variant interpretation guidelines (Richards et al. 2015 PMID: 25741868, with internal and published modifications).

NM_001114633.2(PLA2G4B):c.420C>T (p.Ser140=)

Genes: JMJD7-PLA2G4B (JMJD7-PLA2G4B readthrough; plus strand), PLA2G4B (phospholipase A2 group IVB; plus strand). Cytogenetic location: 15q15.1.
Variant type: single nucleotide variant.
Coding change: c.420C>T on transcript NM_001114633.2 (MANE Select); coding-DNA position 420, C replaced by T.
Protein change: p.Ser140=; no amino-acid change (serine 140 retained).
Molecular consequence: synonymous variant.
Genome position (GRCh38, 1-based): chr15:41,841,258, C>T. VCF-style: chr15-41841258-C-T. GRCh37 (hg19) VCF-style: chr15-42133456-C-T.
Other names: c.1113C>T, p.Ser371= (NM_001198588.2, NM_005090.4).
Identifiers: ClinVar variation 726643 (VCV000726643.5), dbSNP rs377316217, ClinGen allele CA7499605.